The following is an entry in ClinVar:

ClinVar aggregate classification (germline): Uncertain significance (1 of 4 stars; one submission).

Conditions:
Developmental and epileptic encephalopathy 94 (DEE94). Also called: Epileptic encephalopathy, childhood-onset; CHD2-Related Neurodevelopmental Disorders. Identifiers: Orphanet 1942, Orphanet 2382, MedGen C3809278, MONDO:0014150, OMIM 615369.

Submission:

Labcorp Genetics (formerly Invitae), Labcorp
Classification: Uncertain significance for Developmental and epileptic encephalopathy 94. Last evaluated: 2025-01-06. Review status: criteria provided, single submitter. Criteria: Invitae Variant Classification Sherloc (09022015). Collection method: clinical testing. Allele origin: germline.
Comment: This sequence change replaces leucine, which is neutral and non-polar, with serine, which is neutral and polar, at codon 1317 of the CHD2 protein (p.Leu1317Ser). This variant is not present in population databases (gnomAD no frequency). This variant has not been reported in the literature in individuals affected with CHD2-related conditions. ClinVar contains an entry for this variant (Variation ID: 1402458). Invitae Evidence Modeling of protein sequence and biophysical properties (such as structural, functional, and spatial information, amino acid conservation, physicochemical variation, residue mobility, and thermodynamic stability) has been performed for this missense variant. However, the output from this modeling did not meet the statistical confidence thresholds required to predict the impact of this variant on CHD2 protein function. In summary, the available evidence is currently insufficient to determine the role of this variant in disease. Therefore, it has been classified as a Variant of Uncertain Significance.

NM_001271.4(CHD2):c.3950T>C (p.Leu1317Ser)

Gene: CHD2 (chromodomain helicase DNA binding protein 2; plus strand). Cytogenetic location: 15q26.1.
Variant type: single nucleotide variant.
Coding change: c.3950T>C on transcript NM_001271.4 (MANE Select); coding-DNA position 3950, T replaced by C.
Protein change: p.Leu1317Ser; replaces leucine 1317 with serine.
Molecular consequence: missense variant.
Genome position (GRCh38, 1-based): chr15:92,998,563, T>C. VCF-style: chr15-92998563-T-C. GRCh37 (hg19) VCF-style: chr15-93541793-T-C.
Other names: short protein forms L1317S.
Identifiers: ClinVar variation 1402458 (VCV001402458.6), dbSNP rs2141868900, ClinGen allele CA393899548.